The following is an entry in ClinVar:

ClinVar aggregate classification (germline): Uncertain significance (1 of 4 stars; one submission).

Submission:

GeneDx
Classification: Uncertain significance. Last evaluated: 2019-08-22. Review status: criteria provided, single submitter. Criteria: GeneDx Variant Classification Process June 2021. Collection method: clinical testing. Allele origin: germline. Affected: yes.
Comment: Not observed in large population cohorts (Lek et al., 2016); In silico analysis, which includes protein predictors and evolutionary conservation, supports a deleterious effect; Has not been previously published as pathogenic or benign to our knowledge

NM_002700.3(POU4F3):c.689G>C (p.Arg230Thr)

Genes: POU4F3 (POU class 4 homeobox 3; plus strand), LOC127814297 (RBM27-POU4F3; plus strand). Cytogenetic location: 5q32.
Variant type: single nucleotide variant.
Coding change: c.689G>C on transcript NM_002700.3 (MANE Select); coding-DNA position 689, G replaced by C.
Protein change: p.Arg230Thr; replaces arginine 230 with threonine.
Molecular consequence: missense variant.
Genome position (GRCh38, 1-based): chr5:146,340,116, G>C. VCF-style: chr5-146340116-G-C. GRCh37 (hg19) VCF-style: chr5-145719679-G-C.
Other names: short protein forms R230T.
Identifiers: ClinVar variation 1308142 (VCV001308142.2), dbSNP rs369368461, ClinGen allele CA361621905.